The following is an entry in ClinVar:

NM_000186.4(CFH):c.2794A>G (p.Lys932Glu)

Gene: CFH (complement factor H; plus strand). Cytogenetic location: 1q31.3.
Variant type: single nucleotide variant.
Coding change: c.2794A>G on transcript NM_000186.4 (MANE Select); coding-DNA position 2794, A replaced by G.
Protein change: p.Lys932Glu; replaces lysine 932 with glutamic acid.
Molecular consequence: missense variant.
Genome position (GRCh38, 1-based): chr1:196,740,630, A>G. VCF-style: chr1-196740630-A-G. GRCh37 (hg19) VCF-style: chr1-196709760-A-G.
Other names: short protein forms K932E.
Identifiers: ClinVar variation 2705790 (VCV002705790.3), dbSNP rs1573079762, ClinGen allele CA343980952.

ClinVar aggregate classification (germline): Uncertain significance (1 of 4 stars; one submission).

Submission:

Labcorp Genetics (formerly Invitae), Labcorp
Classification: Uncertain significance. Last evaluated: 2023-12-27. Review status: criteria provided, single submitter. Criteria: Invitae Variant Classification Sherloc (09022015). Collection method: clinical testing. Allele origin: germline.
Comment: This sequence change replaces lysine, which is basic and polar, with glutamic acid, which is acidic and polar, at codon 932 of the CFH protein (p.Lys932Glu). This variant is not present in population databases (gnomAD no frequency). This variant has not been reported in the literature in individuals affected with CFH-related conditions. Algorithms developed to predict the effect of missense changes on protein structure and function output the following: SIFT: "Not Available"; PolyPhen-2: "Benign"; Align-GVGD: "Not Available". The glutamic acid amino acid residue is found in multiple mammalian species, which suggests that this missense change does not adversely affect protein function. In summary, the available evidence is currently insufficient to determine the role of this variant in disease. Therefore, it has been classified as a Variant of Uncertain Significance.